The following is an entry in ClinVar:

NM_001244008.2(KIF1A):c.406_408dup (p.Asp136_Asn137insAsp)

Gene: KIF1A (kinesin family member 1A; minus strand). Cytogenetic location: 2q37.3.
Variant type: Duplication.
Coding change: c.406_408dup on transcript NM_001244008.2 (MANE Select); coding-DNA positions 406 to 408, 3 bases duplicated (GAC; older notation c.406_408dupGAC).
Protein change: p.Asp136_Asn137insAsp.
Molecular consequence: inframe insertion.
Genome position (GRCh38, 1-based): chr2:240,787,272-240,787,274, GTC duplicated on the plus strand (GAC on the coding strand, the reverse complement: KIF1A is on the minus strand); duplicating any 3 consecutive bases within chr2:240,787,272-240,787,276 gives the same sequence; the c. name uses the placement nearest the transcript's 3' end. VCF-style (leftmost placement, unchanged base first): chr2-240787271-T-TGTC. GRCh37 (hg19) VCF-style: chr2-241726688-T-TGTC.
Other names: c.406_408dup, p.Asp136_Asn137insAsp (NM_001320705.2, NM_001330289.2, NM_001330290.2 and 20 more transcripts).
Identifiers: ClinVar variation 3753374 (VCV003753374.3).
Genomic context (GRCh38, chr2:240,787,271, plus strand): 5'-AGCCCTGCCCCAGCGGCCAACGGCAGGCGGGGAGCCCTACCTCCACGGAGTAGGACATGT[T>TGTC]GTCGTTGGTCGTGTCGTTGATCCGAGAGAAGAGGTCCTCGCAGAGCTGCAGGAATGGGGG-3'

ClinVar aggregate classification (germline): Uncertain significance. Review status: criteria provided, multiple submitters, no conflicts (2 of 4 stars). 2 submissions from 2 submitters: Uncertain significance (2). Last evaluated 2024-05-15.

Conditions:
Neuropathy, hereditary sensory, type 2C. Also called: Hereditary sensory and autonomic neuropathy type IIC; KIF1A-Related HSAN2 (HSAN2C). Identifiers: Orphanet 970, MedGen C3280168, MONDO:0013634, OMIM 614213.
Intellectual disability, autosomal dominant 9 (NESCAVS). Also called: NESCAV SYNDROME; KIF1A-Related Neurodevelopmental Disorder. Identifiers: Orphanet 662367, MedGen C5393830, MONDO:0013656, OMIM 614255.
Hereditary spastic paraplegia 30. Identifiers: Orphanet 101010, MedGen C5235139, MONDO:0012476.

Submissions (2):

Labcorp Genetics (formerly Invitae), Labcorp
Classification: Uncertain significance for Hereditary spastic paraplegia 30; Neuropathy, hereditary sensory, type 2C; Intellectual disability, autosomal dominant 9. Last evaluated: 2024-05-15. Review status: criteria provided, single submitter. Criteria: Invitae Variant Classification Sherloc (09022015). Collection method: clinical testing. Allele origin: germline.
Comment: This variant, c.406_408dup, results in the insertion of 1 amino acid(s) of the KIF1A protein (p.Asp136dup), but otherwise preserves the integrity of the reading frame. This variant is not present in population databases (gnomAD no frequency). This variant has not been reported in the literature in individuals affected with KIF1A-related conditions. In summary, the available evidence is currently insufficient to determine the role of this variant in disease. Therefore, it has been classified as a Variant of Uncertain Significance.

Blueprint Genetics
Classification: Uncertain significance. Last evaluated: 2019-12-09. Review status: criteria provided, single submitter. Criteria: ACMG Guidelines, 2015. Collection method: clinical testing. Allele origin: germline.